The following is an entry in ClinVar:

NM_004329.3(BMPR1A):c.231-17G>T

Gene: BMPR1A (bone morphogenetic protein receptor type 1A; plus strand). Cytogenetic location: 10q23.2.
Variant type: single nucleotide variant.
Coding change: c.231-17G>T on transcript NM_004329.3 (MANE Select); 17 bases into the intron before coding-DNA position 231, G replaced by T.
Molecular consequence: intron variant.
Genome position (GRCh38, 1-based): chr10:86,892,110, G>T. VCF-style: chr10-86892110-G-T. GRCh37 (hg19) VCF-style: chr10-88651867-G-T.
Other names: c.231-17G>T (NM_001406562.1, NM_001406568.1, NM_001406567.1 and 23 more transcripts); c.147-17G>T (NM_001406584.1, NM_001406588.1, NM_001406587.1 and 2 more transcripts).
Identifiers: ClinVar variation 3378603 (VCV003378603.3).

ClinVar aggregate classification (germline): Likely benign. Review status: criteria provided, multiple submitters, no conflicts (2 of 4 stars). 2 submissions from 2 submitters: Likely benign (2). Last evaluated 2024-07-31.

Conditions:
Juvenile polyposis syndrome (JPS). Identifiers: Orphanet 2929, MedGen C0345893, MONDO:0017380, OMIM 174900.

gnomAD v4.1: 4 of 1,591,424 alleles (0.00025%); highest among the groups gnomAD compares: South Asian, 0.0022%; no homozygotes.

Submissions (2):

Myriad Genetics, Inc.
Classification: Likely benign for Juvenile polyposis syndrome. Last evaluated: 2024-07-31. Review status: criteria provided, single submitter. Criteria: Myriad Autosomal Dominant, Autosomal Recessive and X-Linked Classification Criteria (2023). Collection method: clinical testing. Allele origin: unknown.
Comment: This variant is considered likely benign. This variant is intronic and is not expected to impact mRNA splicing.

Labcorp Genetics (formerly Invitae), Labcorp
Classification: Likely benign for Juvenile polyposis syndrome. Last evaluated: 2024-04-29. Review status: criteria provided, single submitter. Criteria: Invitae Variant Classification Sherloc (09022015). Collection method: clinical testing. Allele origin: germline.